The following is an entry in ClinVar:

NM_006379.5(SEMA3C):c.1633A>C (p.Thr545Pro)

Gene: SEMA3C (semaphorin 3C; minus strand). Cytogenetic location: 7q21.11.
Variant type: single nucleotide variant.
Coding change: c.1633A>C on transcript NM_006379.5 (MANE Select); coding-DNA position 1633, A replaced by C.
Protein change: p.Thr545Pro; replaces threonine 545 with proline.
Molecular consequence: missense variant.
Genome position (GRCh38, 1-based): chr7:80,758,341, T>G on the plus strand (A>C on the coding strand, the complement: SEMA3C is on the minus strand). VCF-style: chr7-80758341-T-G. GRCh37 (hg19) VCF-style: chr7-80387657-T-G.
Other names: c.1687A>C, p.Thr563Pro (NM_001350120.2); c.1459A>C, p.Thr487Pro (NM_001350121.2); short protein forms T545P, T563P, T487P.
Identifiers: ClinVar variation 4998855 (VCV004998855.1).

ClinVar aggregate classification (germline): Uncertain significance (1 of 4 stars; one submission).

Conditions:
SEMA3C-related disorder. Also called: SEMA3C-related condition.

gnomAD v4.1: 3 of 1,613,034 alleles (0.00019%); highest among the groups gnomAD compares: Non-Finnish European, 0.00017%; no homozygotes.

Submission:

PreventionGenetics, part of Exact Sciences
Classification: Uncertain significance for SEMA3C-related condition. Last evaluated: 2024-12-18. Review status: criteria provided, single submitter. Criteria: ACMG Guidelines, 2015. Collection method: clinical testing. Allele origin: germline.
Comment: The SEMA3C c.1687A>C variant is predicted to result in the amino acid substitution p.Thr563Pro. To our knowledge, this variant has not been reported in the literature or in a large population database (gnomAD), indicating this variant is rare. At this time, the clinical significance of this variant is uncertain due to the absence of conclusive functional and genetic evidence.